The following is an entry in ClinVar:

NM_004333.6(BRAF):c.1518-3C>T

Gene: BRAF (B-Raf proto-oncogene, serine/threonine kinase; minus strand). Cytogenetic location: 7q34.
Variant type: single nucleotide variant.
Coding change: c.1518-3C>T on transcript NM_004333.6 (MANE Select); 3 bases into the intron before coding-DNA position 1518, C replaced by T.
Molecular consequence: intron variant.
Genome position (GRCh38, 1-based): chr7:140,777,091, G>A on the plus strand (C>T on the coding strand, the complement: BRAF is on the minus strand). VCF-style: chr7-140777091-G-A. GRCh37 (hg19) VCF-style: chr7-140476891-G-A.
Other names: c.1518-3C>T (NM_001378474.1, NM_001378468.1, NM_001354609.2); c.1416-3C>T (NM_001378470.1); c.1254-3C>T (NM_001378475.1); c.1407-3C>T (NM_001378471.1); c.1638-3C>T (NM_001374258.1, NM_001374244.1); c.1527-3C>T (NM_001378467.1); c.1362-3C>T (NM_001378472.1, NM_001378473.1); c.1452-3C>T (NM_001378469.1).
Identifiers: ClinVar variation 1349702 (VCV001349702.6), dbSNP rs1265714510, ClinGen allele CA578624883.
Genomic context (GRCh38, chr7:140,777,091, plus strand): 5'-CAGTTGTGGCTTTGTGGAATAGCCCATGAAGAGTAGGATATTCACATGTCGTGTTTTCCT[G>A]TACAAAGAAATGTGACAGTAAACATTAAATGTCGACAAACTTTAGCAATTCTTACAAAAG-3'

ClinVar aggregate classification (germline): Uncertain significance (1 of 4 stars; one submission).

Conditions:
RASopathy. Also called: Noonan spectrum disorder; rasopathies. Identifiers: Orphanet 536391, MedGen C5555857, MONDO:0021060.

Allele frequency attached by ClinVar (database versions not stated): gnomAD exomes below 0.00001; TOPMed below 0.00001.
gnomAD v4.1: 4 of 1,613,428 alleles (0.00025%); highest among the groups gnomAD compares: South Asian, 0.0044%; no homozygotes.

Submission:

Labcorp Genetics (formerly Invitae), Labcorp
Classification: Uncertain significance for RASopathy. Last evaluated: 2021-05-10. Review status: criteria provided, single submitter. Criteria: Invitae Variant Classification Sherloc (09022015). Collection method: clinical testing. Allele origin: germline.
Comment: This sequence change falls in intron 12 of the BRAF gene. It does not directly change the encoded amino acid sequence of the BRAF protein. It affects a nucleotide within the consensus splice site of the intron. This variant is not present in population databases (ExAC no frequency). This variant has not been reported in the literature in individuals with BRAF-related conditions. Nucleotide substitutions within the consensus splice site are a relatively common cause of aberrant splicing (PMID: 17576681, 9536098). Algorithms developed to predict the effect of sequence changes on RNA splicing suggest that this variant is not likely to affect RNA splicing, but this prediction has not been confirmed by published transcriptional studies. In summary, the available evidence is currently insufficient to determine the role of this variant in disease. Therefore, it has been classified as a Variant of Uncertain Significance.

Literature cited by the submitters: PubMed 17576681; PubMed 9536098.